The following is an entry in ClinVar:

ClinVar aggregate classification (germline): Uncertain significance (1 of 4 stars; one submission).

Allele frequency attached by ClinVar (database versions not stated): ExAC 0.00001; gnomAD 0.00002; TOPMed 0.00002; gnomAD exomes 0.00003.
gnomAD v4.1: 47 of 1,613,006 alleles (0.0029%); highest among the groups gnomAD compares: Middle Eastern, 0.066%; no homozygotes.

Submission:

Labcorp Genetics (formerly Invitae), Labcorp
Classification: Uncertain significance. Last evaluated: 2025-12-09. Review status: criteria provided, single submitter. Criteria: Invitae Variant Classification Sherloc (09022015). Collection method: clinical testing. Allele origin: germline.
Comment: This sequence change falls in intron 33 of the SORL1 gene. It does not directly change the encoded amino acid sequence of the SORL1 protein. It affects a nucleotide within the consensus splice site. This variant is present in population databases (rs759445388, gnomAD 0.007%). This variant has not been reported in the literature in individuals affected with SORL1-related conditions. ClinVar contains an entry for this variant (Variation ID: 2178171). Variants that disrupt the consensus splice site are a relatively common cause of aberrant splicing (PMID: 17576681, 9536098). Algorithms developed to predict the effect of sequence changes on RNA splicing suggest that this variant is not likely to affect RNA splicing. In summary, the available evidence is currently insufficient to determine the role of this variant in disease. Therefore, it has been classified as a Variant of Uncertain Significance.

Literature cited by the submitters: PubMed 17576681; PubMed 9536098.

NM_003105.6(SORL1):c.4651+5G>A

Gene: SORL1 (sortilin related receptor 1; plus strand). Cytogenetic location: 11q24.1.
Variant type: single nucleotide variant.
Coding change: c.4651+5G>A on transcript NM_003105.6 (MANE Select); 5 bases into the intron after coding-DNA position 4651, G replaced by A.
Molecular consequence: intron variant.
Genome position (GRCh38, 1-based): chr11:121,604,329, G>A. VCF-style: chr11-121604329-G-A. GRCh37 (hg19) VCF-style: chr11-121475038-G-A.
Identifiers: ClinVar variation 2178171 (VCV002178171.4), dbSNP rs759445388, ClinGen allele CA6329699.